The following is an entry in ClinVar:

NM_000137.4(FAH):c.430A>T (p.Lys144Ter)

Gene: FAH (fumarylacetoacetate hydrolase; plus strand). Cytogenetic location: 15q25.1.
Variant type: single nucleotide variant.
Coding change: c.430A>T on transcript NM_000137.4 (MANE Select); coding-DNA position 430, A replaced by T.
Protein change: p.Lys144Ter; replaces lysine 144 with a stop codon.
Molecular consequence: nonsense.
Genome position (GRCh38, 1-based): chr15:80,162,311, A>T. VCF-style: chr15-80162311-A-T. GRCh37 (hg19) VCF-style: chr15-80454653-A-T.
Other names: c.430A>T, p.Lys144Ter (NM_001374377.1, NM_001374380.1); short protein forms K144*.
Identifiers: ClinVar variation 5010454 (VCV005010454.1).

ClinVar aggregate classification (germline): Pathogenic (1 of 4 stars; one submission).

Conditions:
Tyrosinemia type I (TYRSN1). Also called: FAH DEFICIENCY; HEPATORENAL TYROSINEMIA; Tyrosinemia type 1; Fumarylacetoacetase deficiency; Deficiency of fumarylacetoacetase. Identifiers: Orphanet 882, MedGen C0268490, MONDO:0010161, OMIM 276700. Disease mechanism: loss of function.

Submission:

Myriad Genetics, Inc.
Classification: Pathogenic for Tyrosinemia type I. Last evaluated: 2024-11-26. Review status: criteria provided, single submitter. Criteria: Myriad Autosomal Dominant, Autosomal Recessive and X-Linked Classification Criteria (2023). Collection method: clinical testing. Allele origin: unknown.
Comment: NM_000137.2(FAH):c.430A>T(K144*) is expected to be pathogenic in the context of tyrosinemia type I. This variant is predicted to lead to an abnormal or absent protein product due to the creation of a premature termination codon in FAH, a gene where loss-of-function variants are known to be pathogenic. Please note: this variant was assessed in the context of healthy population screening.